The following is an entry in ClinVar:

NM_024422.6(DSC2):c.1491_1496del (p.Asp497_Pro498del)

Gene: DSC2 (desmocollin 2; minus strand). Cytogenetic location: 18q12.1.
Variant type: Deletion.
Coding change: c.1491_1496del on transcript NM_024422.6 (MANE Select); coding-DNA positions 1491 to 1496, 6 bases deleted (CCCAGA; older notation c.1491_1496delCCCAGA).
Protein change: p.Asp497_Pro498del.
Genome position (GRCh38, 1-based): chr18:31,080,120-31,080,125, TCTGGG deleted on the plus strand (CCCAGA on the coding strand, the reverse complement: DSC2 is on the minus strand); deleting any 6 consecutive bases within chr18:31,080,120-31,080,127 gives the same sequence; the c. name uses the placement nearest the transcript's 3' end. VCF-style (leftmost placement, unchanged base first): chr18-31080119-TTCTGGG-T. GRCh37 (hg19) VCF-style: chr18-28660085-TTCTGGG-T.
Other names: c.1062_1067del, p.Asp354_Pro355del (NM_001406506.1, NM_001406507.1); c.1491_1496del, p.Asp497_Pro498del (NM_004949.5).
Identifiers: ClinVar variation 3386525 (VCV003386525.1).

ClinVar aggregate classification (germline): Uncertain significance (1 of 4 stars; one submission).

Conditions:
Familial isolated arrhythmogenic right ventricular dysplasia. Identifiers: Orphanet 217656, MedGen C4274968, MONDO:0016342.

Submission:

All of Us Research Program, National Institutes of Health
Classification: Uncertain significance for Familial isolated arrhythmogenic right ventricular dysplasia. Last evaluated: 2024-03-24. Review status: criteria provided, single submitter. Criteria: ACMG Guidelines, 2015. Collection method: clinical testing. Allele origin: germline. Inheritance: Autosomal dominant inheritance. Observed: 1 variant allele, 1 heterozygote.
Comment: This variant causes an in-frame deletion of two amino acids (p.Asp497_Pro498del) in the DSC2 protein. To our knowledge, functional studies have not been reported for this variant. This variant has not been reported in individuals affected with DSC2-related disorders in the literature. This variant has not been identified in the general population by the Genome Aggregation Database (gnomAD). The available evidence is insufficient to determine the role of this variant in disease conclusively. Therefore, this variant is classified as a Variant of Uncertain Significance.

This study involves interpretation of variants in research participants for the purpose of population health screening. Participant phenotype was not available at the time of variant classification. Additional details can be found in publication PMID: 35346344, PMCID: PMC8962531